The following is an entry in ClinVar:

ClinVar aggregate classification (germline): Conflicting classifications of pathogenicity. Review status: criteria provided, conflicting classifications (1 of 4 stars). 3 submissions from 3 submitters: Uncertain significance (2); Likely benign (1). Last evaluated 2025-11-06.

Conditions:
MYPN-related disorder. Also called: MYPN-related condition.
Cardiovascular phenotype. Identifiers: MedGen CN230736.
Dilated cardiomyopathy 1KK (CMD1KK). Identifiers: Orphanet 154, Orphanet 75249, MedGen C3714995, MONDO:0014100, OMIM 615248.

Allele frequency attached by ClinVar (database versions not stated): gnomAD 0.00001 and 0.00003; ExAC 0.00002; gnomAD exomes 0.00003; TOPMed 0.00004.
gnomAD v4.1: 46 of 1,613,928 alleles (0.0029%); highest among the groups gnomAD compares: Non-Finnish European, 0.0036%; 1 homozygote.

Submissions (3):

Labcorp Genetics (formerly Invitae), Labcorp
Classification: Uncertain significance for Dilated cardiomyopathy 1KK. Last evaluated: 2025-11-06. Review status: criteria provided, single submitter. Criteria: Invitae Variant Classification Sherloc (09022015). Collection method: clinical testing. Allele origin: germline.
Comment: This sequence change replaces alanine, which is neutral and non-polar, with threonine, which is neutral and polar, at codon 839 of the MYPN protein (p.Ala839Thr). This variant is present in population databases (rs752773452, gnomAD 0.007%). This variant has not been reported in the literature in individuals affected with MYPN-related conditions. ClinVar contains an entry for this variant (Variation ID: 855918). An algorithm developed to predict the effect of missense changes on protein structure and function outputs the following: PolyPhen-2: "Benign". The threonine amino acid residue is found in multiple mammalian species, which suggests that this missense change does not adversely affect protein function. In summary, the available evidence is currently insufficient to determine the role of this variant in disease. Therefore, it has been classified as a Variant of Uncertain Significance.

PreventionGenetics, part of Exact Sciences
Classification: Uncertain significance for MYPN-related condition. Last evaluated: 2025-08-04. Review status: criteria provided, single submitter. Criteria: ACMG Guidelines, 2015. Collection method: clinical testing. Allele origin: germline.
Comment: The MYPN c.2515G>A variant is predicted to result in the amino acid substitution p.Ala839Thr. To our knowledge, this variant has not been reported in the literature. This variant is reported in 0.0071% of alleles in individuals of European (Non-Finnish) descent in gnomAD. At this time, the clinical significance of this variant is uncertain due to the absence of conclusive functional and genetic evidence.

Ambry Genetics
Classification: Likely benign for Cardiovascular phenotype. Last evaluated: 2024-07-17. Review status: criteria provided, single submitter. Criteria: Ambry Variant Classification Scheme 2023. Collection method: clinical testing. Allele origin: germline.

NM_032578.4(MYPN):c.2515G>A (p.Ala839Thr)

Gene: MYPN (myopalladin; plus strand). Cytogenetic location: 10q21.3.
Variant type: single nucleotide variant.
Coding change: c.2515G>A on transcript NM_032578.4 (MANE Select); coding-DNA position 2515, G replaced by A.
Protein change: p.Ala839Thr; replaces alanine 839 with threonine.
Molecular consequence: missense variant. On other transcripts: non-coding transcript variant (2).
Genome position (GRCh38, 1-based): chr10:68,174,607, G>A. VCF-style: chr10-68174607-G-A. GRCh37 (hg19) VCF-style: chr10-69934364-G-A.
Other names: c.2515G>A, p.Ala839Thr (NM_001256267.2); c.1633G>A, p.Ala545Thr (NM_001256268.2); short protein forms A545T, A839T.
Identifiers: ClinVar variation 855918 (VCV000855918.9), dbSNP rs752773452, ClinGen allele CA5522796.